The following is an entry in ClinVar:

ClinVar aggregate classification (germline): Uncertain significance (1 of 4 stars; one submission).

Conditions:
Malignant hyperthermia, susceptibility to, 1 (MHS1). Also called: RYR1-Related Malignant Hyperthermia Susceptibility; Malignant hyperthermia suceptibility 1; Anesthesia related hyperthermia; Malignant hyperpyrexia; Fulminating hyperpyrexia; Pharmacogenic myopathy. Identifiers: Orphanet 423, MedGen C2930980, MONDO:0007783, OMIM 145600.

Submission:

Color Diagnostics, LLC DBA Color Health
Classification: Uncertain significance for Malignant hyperthermia, susceptibility to, 1. Last evaluated: 2025-06-24. Review status: criteria provided, single submitter. Criteria: ACMG Guidelines, 2015. Collection method: clinical testing. Allele origin: germline.
Comment: This variant causes the duplication of 1 nucleotide at the +2 position of intron 47 in the RYR1 protein. To our knowledge, functional studies have not been reported for this variant. This variant has not been reported in individuals affected with RYR1-related disorders in the literature. This variant has not been identified in the general population by the Genome Aggregation Database (gnomAD). Loss of RYR1 function due to disruption of canonical splice sites is not an established disease mechanism for autosomal dominant malignant hyperthermia, although it is associated with other phenotype(s). Therefore, this variant is classified as a Variant of Uncertain Significance for autosomal dominant malignant hyperthermia.

NM_000540.3(RYR1):c.7614+2dup

Gene: RYR1 (ryanodine receptor 1; plus strand). Cytogenetic location: 19q13.2.
Variant type: Duplication.
Coding change: c.7614+2dup on transcript NM_000540.3 (MANE Select); the canonical splice donor site of the intron after coding-DNA position 7614, one base duplicated (T; older notation c.7614+2dupT).
Molecular consequence: splice donor variant.
Genome position (GRCh38, 1-based): chr19:38,500,992, T duplicated. VCF-style (leftmost placement, unchanged base first): chr19-38500991-G-GT. GRCh37 (hg19) VCF-style: chr19-38991631-G-GT.
Other names: c.7614+2dup (NM_001042723.2).
Identifiers: ClinVar variation 4757322 (VCV004757322.1).